The following is an entry in ClinVar:

NM_005458.8(GABBR2):c.1821C>T (p.Ile607=)

Gene: GABBR2 (gamma-aminobutyric acid type B receptor subunit 2; minus strand). Cytogenetic location: 9q22.33.
Variant type: single nucleotide variant.
Coding change: c.1821C>T on transcript NM_005458.8 (MANE Select); coding-DNA position 1821, C replaced by T.
Protein change: p.Ile607=; no amino-acid change (isoleucine 607 retained).
Molecular consequence: synonymous variant.
Genome position (GRCh38, 1-based): chr9:98,362,787, G>A on the plus strand (C>T on the coding strand, the complement: GABBR2 is on the minus strand). VCF-style: chr9-98362787-G-A. GRCh37 (hg19) VCF-style: chr9-101125069-G-A.
Identifiers: ClinVar variation 728339 (VCV000728339.12), dbSNP rs371719408, ClinGen allele CA5152608.
Genomic context (GRCh38, chr9:98,362,787, plus strand): 5'-CTTCTCCACTGTCCTTCGCAGGGGGTCCACAGCCTGCCAGCAGATCAGGATACACAGGTC[G>A]ATCAGCAGCATGCCCCCCACGATCACAAGCAGTTTCTGGTCCTTGATGATCTACAGAGCG-3'
Protein context (NP_005449.5, residues 597-617): LLVIVGGMLL[Ile607=]DLCILICWQA

ClinVar aggregate classification (germline): Likely benign. Review status: criteria provided, multiple submitters, no conflicts (2 of 4 stars). 2 submissions from 2 submitters: Likely benign (2). Last evaluated 2026-01-05.

Conditions:
Epileptic encephalopathy. Identifiers: MedGen C0543888, HP:0200134.

Allele frequency attached by ClinVar (database versions not stated): gnomAD exomes 0.00002; ExAC 0.00003; gnomAD 0.00005; TOPMed 0.00006; ESP Exome Variant Server 0.00015.
gnomAD v4.1: 148 of 1,602,770 alleles (0.0092%); highest among the groups gnomAD compares: East Asian, 0.014%; no homozygotes.

Submissions (2):

Labcorp Genetics (formerly Invitae), Labcorp
Classification: Likely benign for Epileptic encephalopathy. Last evaluated: 2026-01-05. Review status: criteria provided, single submitter. Criteria: Invitae Variant Classification Sherloc (09022015). Collection method: clinical testing. Allele origin: germline.

GeneDx
Classification: Likely benign. Last evaluated: 2022-07-13. Review status: criteria provided, single submitter. Criteria: GeneDx Variant Classification Process June 2021. Collection method: clinical testing. Allele origin: germline. Affected: yes.
Comment: Has not been previously published as pathogenic or benign to our knowledge; In silico analysis suggests this variant may impact gene splicing. In the absence of RNA/functional studies, the actual effect of this sequence change is unknown